The following is an entry in ClinVar:

ClinVar aggregate classification (germline): Uncertain significance (1 of 4 stars; one submission).

gnomAD v4.1: 1 of 1,561,174 alleles (0.000064%); highest among the groups gnomAD compares: Non-Finnish European, 0.000087%; no homozygotes.

Submission:

Ambry Genetics
Classification: Uncertain significance. Last evaluated: 2024-08-02. Review status: criteria provided, single submitter. Criteria: Ambry Variant Classification Scheme 2023. Collection method: clinical testing. Allele origin: germline.
Comment: The p.N1146T variant (also known as c.3437A>C), located in coding exon 29 of the PRKDC gene, results from an A to C substitution at nucleotide position 3437. The asparagine at codon 1146 is replaced by threonine, an amino acid with similar properties. This amino acid position is conserved. In addition, this alteration is predicted to be tolerated by in silico analysis. Based on the available evidence, the clinical significance of this variant remains unclear.

NM_006904.7(PRKDC):c.3437A>C (p.Asn1146Thr)

Gene: PRKDC (protein kinase, DNA-activated, catalytic subunit; minus strand). Cytogenetic location: 8q11.21.
Variant type: single nucleotide variant.
Coding change: c.3437A>C on transcript NM_006904.7 (MANE Select); coding-DNA position 3437, A replaced by C.
Protein change: p.Asn1146Thr; replaces asparagine 1146 with threonine.
Molecular consequence: missense variant.
Genome position (GRCh38, 1-based): chr8:47,898,497, T>G on the plus strand (A>C on the coding strand, the complement: PRKDC is on the minus strand). VCF-style: chr8-47898497-T-G. GRCh37 (hg19) VCF-style: chr8-48811057-T-G.
Other names: c.3437A>C, p.Asn1146Thr (NM_001081640.2); short protein forms N1146T.
Identifiers: ClinVar variation 3425282 (VCV003425282.1).
Genomic context (GRCh38, chr8:47,898,497, plus strand): 5'-GGAAAAGACGGAAAAGGAAGCAAGATCACCTACCGCGGCAAACGTCGTTTCTTTGCTTTA[T>G]TTAAAGAAACATGCTTCTTTTCAATGATGCGGCATAGGTGATCAATGGCATCACAACACT-3'
Protein context (NP_008835.5, residues 1136-1156): RIIEKKHVSL[Asn1146Thr]KAKKRRLPRG